The following is an entry in ClinVar:

NM_004168.4(SDHA):c.304G>A (p.Ala102Thr)

Gene: SDHA (succinate dehydrogenase complex flavoprotein subunit A; plus strand). Cytogenetic location: 5p15.33.
Variant type: single nucleotide variant.
Coding change: c.304G>A on transcript NM_004168.4 (MANE Select); coding-DNA position 304, G replaced by A.
Protein change: p.Ala102Thr; replaces alanine 102 with threonine.
Molecular consequence: missense variant.
Genome position (GRCh38, 1-based): chr5:224,513, G>A. VCF-style: chr5-224513-G-A. GRCh37 (hg19) VCF-style: chr5-224628-G-A.
Other names: c.304G>A, p.Ala102Thr (NM_001294332.2, NM_001330758.2); short protein forms A102T.
Identifiers: ClinVar variation 4161169 (VCV004161169.2).

ClinVar aggregate classification (germline): Uncertain significance (1 of 4 stars; one submission).

Conditions:
Hereditary cancer-predisposing syndrome. Also called: Neoplastic Syndromes, Hereditary; Tumor predisposition; Hereditary neoplastic syndrome; Hereditary Cancer Syndrome. Identifiers: Orphanet 140162, MedGen C0027672, MeSH D009386, MONDO:0015356.

Submission:

Ambry Genetics
Classification: Uncertain significance for Hereditary cancer-predisposing syndrome. Last evaluated: 2026-03-02. Review status: criteria provided, single submitter. Criteria: Ambry Variant Classification Scheme 2023. Collection method: clinical testing. Allele origin: germline.
Comment: The p.A102T variant (also known as c.304G>A), located in coding exon 3 of the SDHA gene, results from a G to A substitution at nucleotide position 304. The alanine at codon 102 is replaced by threonine, an amino acid with similar properties. This amino acid position is conserved. In addition, this alteration is predicted to be deleterious by in silico analysis. Based on the available evidence, the clinical significance of this variant remains unclear.